The following is an entry in ClinVar:

ClinVar aggregate classification (germline): Uncertain significance. Review status: criteria provided, multiple submitters, no conflicts (2 of 4 stars). 2 submissions from 2 submitters: Uncertain significance (2). Last evaluated 2025-09-25.

Allele frequency attached by ClinVar (database versions not stated): gnomAD exomes 0.00004; gnomAD 0.00025 and 0.00030; TOPMed 0.00056.
gnomAD v4.1: 63 of 1,579,246 alleles (0.004%); highest among the groups gnomAD compares: Admixed American, 0.085%; 1 homozygote.

Submissions (2):

Labcorp Genetics (formerly Invitae), Labcorp
Classification: Uncertain significance. Last evaluated: 2025-09-25. Review status: criteria provided, single submitter. Criteria: Invitae Variant Classification Sherloc (09022015). Collection method: clinical testing. Allele origin: germline.
Comment: This sequence change replaces isoleucine, which is neutral and non-polar, with phenylalanine, which is neutral and non-polar, at codon 1063 of the RIMS1 protein (p.Ile1063Phe). This variant is present in population databases (no rsID available, gnomAD 0.02%). This variant has not been reported in the literature in individuals affected with RIMS1-related conditions. ClinVar contains an entry for this variant (Variation ID: 959156). An algorithm developed to predict the effect of missense changes on protein structure and function (PolyPhen-2) suggests that this variant is likely to be tolerated. In summary, the available evidence is currently insufficient to determine the role of this variant in disease. Therefore, it has been classified as a Variant of Uncertain Significance.

Ambry Genetics
Classification: Uncertain significance. Last evaluated: 2024-06-13. Review status: criteria provided, single submitter. Criteria: Ambry Variant Classification Scheme 2023. Collection method: clinical testing. Allele origin: germline.

NM_014989.7(RIMS1):c.3187A>T (p.Ile1063Phe)

Gene: RIMS1 (regulating synaptic membrane exocytosis 1; plus strand). Cytogenetic location: 6q13.
Variant type: single nucleotide variant.
Coding change: c.3187A>T on transcript NM_014989.7 (MANE Select); coding-DNA position 3187, A replaced by T.
Protein change: p.Ile1063Phe; replaces isoleucine 1063 with phenylalanine.
Molecular consequence: missense variant. On other transcripts: intron variant (58).
Genome position (GRCh38, 1-based): chr6:72,265,045, A>T. VCF-style: chr6-72265045-A-T. GRCh37 (hg19) VCF-style: chr6-72974748-A-T.
Other names: c.3187A>T (NM_014989.4); c.1606A>T, p.Ile536Phe (NM_001350418.2, NM_001350434.2, NM_001350436.2); c.1609A>T, p.Ile537Phe (NM_001350458.2); c.1564A>T, p.Ile522Phe (NM_001350470.2); c.1470-915A>T (NM_001350428.2, NM_001350459.2, NM_001350424.2 and 1 more transcripts); c.1467-915A>T (NM_001350437.2, NM_001350430.2, NM_001350421.2 and 1 more transcripts); c.1539-915A>T (NM_001350433.2, NM_001350446.2, NM_001350442.2 and 8 more transcripts); c.1538+4278A>T (NM_001350431.2); and 14 more; short protein forms I1063F, I536F, I537F, I522F.
Identifiers: ClinVar variation 959156 (VCV000959156.10), dbSNP rs928403826, ClinGen allele CA140888234.